The following is an entry in ClinVar:

ClinVar aggregate classification (germline): Uncertain significance (1 of 4 stars; one submission).

Submission:

Labcorp Genetics (formerly Invitae), Labcorp
Classification: Uncertain significance. Last evaluated: 2024-12-02. Review status: criteria provided, single submitter. Criteria: Invitae Variant Classification Sherloc (09022015). Collection method: clinical testing. Allele origin: germline.
Comment: This sequence change replaces arginine, which is basic and polar, with proline, which is neutral and non-polar, at codon 719 of the COL2A1 protein (p.Arg719Pro). This variant is not present in population databases (gnomAD no frequency). This missense change has been observed in individual(s) with clinical features of autosomal dominant skeletal dysplasia (internal data). ClinVar contains an entry for this variant (Variation ID: 1497716). Invitae Evidence Modeling of protein sequence and biophysical properties (such as structural, functional, and spatial information, amino acid conservation, physicochemical variation, residue mobility, and thermodynamic stability) indicates that this missense variant is not expected to disrupt COL2A1 protein function with a negative predictive value of 95%. This variant disrupts the p.Arg719 amino acid residue in COL2A1. Other variant(s) that disrupt this residue have been determined to be pathogenic (PMID: 1975693, 1985108, 26443184). This suggests that this residue is clinically significant, and that variants that disrupt this residue are likely to be disease-causing. In summary, the available evidence is currently insufficient to determine the role of this variant in disease. Therefore, it has been classified as a Variant of Uncertain Significance.

Literature cited by the submitters: PubMed 1975693; PubMed 1985108; PubMed 26443184.

NM_001844.5(COL2A1):c.2156G>C (p.Arg719Pro)

Gene: COL2A1 (collagen type II alpha 1 chain; minus strand). Cytogenetic location: 12q13.11.
Variant type: single nucleotide variant.
Coding change: c.2156G>C on transcript NM_001844.5 (MANE Select); coding-DNA position 2156, G replaced by C.
Protein change: p.Arg719Pro; replaces arginine 719 with proline.
Molecular consequence: missense variant.
Genome position (GRCh38, 1-based): chr12:47,982,885, C>G on the plus strand (G>C on the coding strand, the complement: COL2A1 is on the minus strand). VCF-style: chr12-47982885-C-G. GRCh37 (hg19) VCF-style: chr12-48376668-C-G.
Other names: c.1949G>C, p.Arg650Pro (NM_033150.3); short protein forms R650P, R719P.
Identifiers: ClinVar variation 1497716 (VCV001497716.8), dbSNP rs535980544, ClinGen allele CA384546976.